The following is an entry in ClinVar:

NM_001366006.2(ADGRL2):c.123C>T (p.Ser41=)

Gene: ADGRL2 (adhesion G protein-coupled receptor L2; plus strand). Cytogenetic location: 1p31.1.
Variant type: single nucleotide variant.
Coding change: c.123C>T on transcript NM_001366006.2 (MANE Select); coding-DNA position 123, C replaced by T.
Protein change: p.Ser41=; no amino-acid change (serine 41 retained).
Molecular consequence: synonymous variant. On other transcripts: non-coding transcript variant (1).
Genome position (GRCh38, 1-based): chr1:81,907,066, C>T. VCF-style: chr1-81907066-C-T. GRCh37 (hg19) VCF-style: chr1-82372751-C-T.
Other names: c.123C>T, p.Ser41= (NM_001393349.1, NM_001393350.1, NM_001393351.1 and 17 more transcripts).
Identifiers: ClinVar variation 2638899 (VCV002638899.24), dbSNP rs550434713, ClinGen allele CA922177.

ClinVar aggregate classification (germline): Likely benign (1 of 4 stars; one submission).

Allele frequency attached by ClinVar (database versions not stated): ExAC 0.00001; gnomAD 0.00001; gnomAD exomes 0.00001; 1000 Genomes Project 30x 0.00016; 1000 Genomes Project 0.00020.
gnomAD v4.1: 16 of 1,613,964 alleles (0.00099%); highest among the groups gnomAD compares: Non-Finnish European, 0.0013%; no homozygotes.

Submission:

CeGaT Center for Human Genetics Tuebingen
Classification: Likely benign. Last evaluated: 2023-02-01. Review status: criteria provided, single submitter. Criteria: CeGaT Center For Human Genetics Tuebingen Variant Classification Criteria Version 2. Collection method: clinical testing. Allele origin: germline. Affected: yes. Observed: 1 variant allele.
Comment: ADGRL2: BP4